The following is an entry in ClinVar:

ClinVar aggregate classification (germline): Pathogenic (1 of 4 stars; one submission).

Conditions:
Hereditary spastic paraplegia 11. Also called: SPASTIC PARAPLEGIA, AUTOSOMAL RECESSIVE, COMPLICATED, WITH THIN CORPUS CALLOSUM; SPASTIC PARAPLEGIA, AUTOSOMAL RECESSIVE, WITH MENTAL IMPAIRMENT AND THIN CORPUS CALLOSUM; Spastic paraplegia, mental retardation and thin corpus callosum; Spastic Paraplegia 11; Nakamura Osame syndrome; Autosomal recessive hereditary spastic paraplegia, mental impairment, and thin corpus callosum. Identifiers: Orphanet 2822, MedGen C1858479, MONDO:0011445, OMIM 604360.

Submission:

Labcorp Genetics (formerly Invitae), Labcorp
Classification: Pathogenic for Hereditary spastic paraplegia 11. Last evaluated: 2024-01-17. Review status: criteria provided, single submitter. Criteria: Invitae Variant Classification Sherloc (09022015). Collection method: clinical testing. Allele origin: germline.
Comment: This sequence change creates a premature translational stop signal (p.Lys2358Phefs*18) in the SPG11 gene. While this is not anticipated to result in nonsense mediated decay, it is expected to disrupt the last 86 amino acid(s) of the SPG11 protein. This variant is not present in population databases (gnomAD no frequency). This variant has not been reported in the literature in individuals affected with SPG11-related conditions. This variant disrupts a region of the SPG11 protein in which other variant(s) (p.His2388Thrfs*6) have been determined to be pathogenic (PMID: 33624863; Invitae). This suggests that this is a clinically significant region of the protein, and that variants that disrupt it are likely to be disease-causing. For these reasons, this variant has been classified as Pathogenic.

Literature cited by the submitters: PubMed 33624863.

NM_025137.4(SPG11):c.7067_7071dup (p.Lys2358fs)

Gene: SPG11 (SPG11 vesicle trafficking associated, spatacsin; minus strand). Cytogenetic location: 15q21.1.
Variant type: Duplication.
Coding change: c.7067_7071dup on transcript NM_025137.4 (MANE Select); coding-DNA positions 7067 to 7071, 5 bases duplicated (TTCTT; older notation c.7067_7071dupTTCTT).
Protein change: p.Lys2358fs; shifts the reading frame from lysine 2358.
Molecular consequence: frameshift variant.
Genome position (GRCh38, 1-based): chr15:44,564,627-44,564,631, AAGAA duplicated on the plus strand (TTCTT on the coding strand, the reverse complement: SPG11 is on the minus strand). VCF-style (leftmost placement, unchanged base first): chr15-44564626-T-TAAGAA. GRCh37 (hg19) VCF-style: chr15-44856824-T-TAAGAA.
Other names: c.6728_6732dup, p.Lys2245fs (NM_001160227.2); c.6923_6927dup, p.Lys2310fs (NM_001411132.1); short protein forms K2245fs, K2358fs, K2310fs.
Identifiers: ClinVar variation 2829755 (VCV002829755.3), dbSNP rs2505162652, ClinGen allele CA2739278423.